The following is an entry in ClinVar:

NM_002972.4(SBF1):c.1734G>C (p.Met578Ile)

Gene: SBF1 (SET binding factor 1; minus strand). Cytogenetic location: 22q13.33.
Variant type: single nucleotide variant.
Coding change: c.1734G>C on transcript NM_002972.4 (MANE Select); coding-DNA position 1734, G replaced by C.
Protein change: p.Met578Ile; replaces methionine 578 with isoleucine.
Molecular consequence: missense variant.
Genome position (GRCh38, 1-based): chr22:50,464,344, C>G on the plus strand (G>C on the coding strand, the complement: SBF1 is on the minus strand). VCF-style: chr22-50464344-C-G. GRCh37 (hg19) VCF-style: chr22-50902773-C-G.
Other names: c.1737G>C, p.Met579Ile (NM_001365819.1); short protein forms M578I, M579I.
Identifiers: ClinVar variation 1428767 (VCV001428767.8), dbSNP rs757701114, ClinGen allele CA325534184.

ClinVar aggregate classification (germline): Uncertain significance (1 of 4 stars; one submission).

gnomAD v4.1: 2 of 1,613,854 alleles (0.00012%); no homozygotes.

Submission:

Labcorp Genetics (formerly Invitae), Labcorp
Classification: Uncertain significance. Last evaluated: 2024-04-04. Review status: criteria provided, single submitter. Criteria: Invitae Variant Classification Sherloc (09022015). Collection method: clinical testing. Allele origin: germline.
Comment: This sequence change replaces methionine, which is neutral and non-polar, with isoleucine, which is neutral and non-polar, at codon 578 of the SBF1 protein (p.Met578Ile). This variant is not present in population databases (gnomAD no frequency). This variant has not been reported in the literature in individuals affected with SBF1-related conditions. ClinVar contains an entry for this variant (Variation ID: 1428767). An algorithm developed to predict the effect of missense changes on protein structure and function (PolyPhen-2) suggests that this variant is likely to be tolerated. In summary, the available evidence is currently insufficient to determine the role of this variant in disease. Therefore, it has been classified as a Variant of Uncertain Significance.